The following is an entry in ClinVar:

NM_024642.5(GALNT12):c.561G>C (p.Leu187Phe)

Gene: GALNT12 (polypeptide N-acetylgalactosaminyltransferase 12; plus strand). Cytogenetic location: 9q22.33.
Variant type: single nucleotide variant.
Coding change: c.561G>C on transcript NM_024642.5 (MANE Select); coding-DNA position 561, G replaced by C.
Protein change: p.Leu187Phe; replaces leucine 187 with phenylalanine.
Molecular consequence: missense variant.
Genome position (GRCh38, 1-based): chr9:98,826,771, G>C. VCF-style: chr9-98826771-G-C. GRCh37 (hg19) VCF-style: chr9-101589053-G-C.
Other names: short protein forms L187F.
Identifiers: ClinVar variation 3852652 (VCV003852652.2).
Genomic context (GRCh38, chr9:98,826,771, plus strand): 5'-GATTGTCACGGTGACCCCTGTTGCTTTGTTTGCCTCCCTAGAGCACCTGAAGGAGCGCTT[G>C]GCCAATGAGCTTTCGGGACTGCCCAAGGTGCGCCTGATCCGCGCCAACAAGAGAGAGGGC-3'
Protein context (NP_078918.3, residues 177-197): YSDREHLKER[Leu187Phe]ANELSGLPKV

ClinVar aggregate classification (germline): Uncertain significance. Review status: criteria provided, multiple submitters, no conflicts (2 of 4 stars). 2 submissions from 2 submitters: Uncertain significance (2). Last evaluated 2026-01-22.

Submissions (2):

Labcorp Genetics (formerly Invitae), Labcorp
Classification: Uncertain significance. Last evaluated: 2026-01-22. Review status: criteria provided, single submitter. Criteria: Invitae Variant Classification Sherloc (09022015). Collection method: clinical testing. Allele origin: germline.
Comment: This sequence change replaces leucine, which is neutral and non-polar, with phenylalanine, which is neutral and non-polar, at codon 187 of the GALNT12 protein (p.Leu187Phe). This variant is not present in population databases (gnomAD no frequency). This variant has not been reported in the literature in individuals affected with GALNT12-related conditions. ClinVar contains an entry for this variant (Variation ID: 3852652). Invitae Evidence Modeling of protein sequence and biophysical properties (such as structural, functional, and spatial information, amino acid conservation, physicochemical variation, residue mobility, and thermodynamic stability) indicates that this missense variant is not expected to disrupt GALNT12 protein function with a negative predictive value of 80%. In summary, the available evidence is currently insufficient to determine the role of this variant in disease. Therefore, it has been classified as a Variant of Uncertain Significance.

Ambry Genetics
Classification: Uncertain significance. Last evaluated: 2025-03-12. Review status: criteria provided, single submitter. Criteria: Ambry Variant Classification Scheme 2023. Collection method: clinical testing. Allele origin: germline.
Comment: The p.L187F variant (also known as c.561G>C), located in coding exon 3 of the GALNT12 gene, results from a G to C substitution at nucleotide position 561. The leucine at codon 187 is replaced by phenylalanine, an amino acid with highly similar properties. This amino acid position is conserved. In addition, the in silico prediction for this alteration is inconclusive. Based on the available evidence, the clinical significance of this variant remains unclear.